The following is an entry in ClinVar:

ClinVar aggregate classification (germline): Uncertain significance (1 of 4 stars; one submission).

Conditions:
Inborn genetic diseases. Identifiers: MedGen C0950123, MeSH D030342.

Submission:

Ambry Genetics
Classification: Uncertain significance for Inborn genetic diseases. Last evaluated: 2023-12-07. Review status: criteria provided, single submitter. Criteria: Ambry Variant Classification Scheme 2023. Collection method: clinical testing. Allele origin: germline.
Comment: The p.L976F variant (also known as c.2926C>T), located in coding exon 21 of the MIB1 gene, results from a C to T substitution at nucleotide position 2926. The leucine at codon 976 is replaced by phenylalanine, an amino acid with highly similar properties. This amino acid position is conserved. In addition, the in silico prediction for this alteration is inconclusive. Since supporting evidence is limited at this time, the clinical significance of this alteration remains unclear.

NM_020774.4(MIB1):c.2926C>T (p.Leu976Phe)

Gene: MIB1 (MIB E3 ubiquitin protein ligase 1; plus strand). Cytogenetic location: 18q11.2.
Variant type: single nucleotide variant.
Coding change: c.2926C>T on transcript NM_020774.4 (MANE Select); coding-DNA position 2926, C replaced by T.
Protein change: p.Leu976Phe; replaces leucine 976 with phenylalanine.
Molecular consequence: missense variant.
Genome position (GRCh38, 1-based): chr18:21,864,571, C>T. VCF-style: chr18-21864571-C-T. GRCh37 (hg19) VCF-style: chr18-19444532-C-T.
Other names: short protein forms L976F.
Identifiers: ClinVar variation 3227425 (VCV003227425.1), dbSNP rs2510609752, ClinGen allele CA401798046.